The following is an entry in ClinVar:

NM_001013703.4(EIF2AK4):c.48G>A (p.Pro16=)

Genes: EIF2AK4 (eukaryotic translation initiation factor 2 alpha kinase 4; plus strand), LOC130056813 (ATAC-STARR-seq lymphoblastoid silent region 6314; plus strand). Cytogenetic location: 15q15.1.
Variant type: single nucleotide variant.
Coding change: c.48G>A on transcript NM_001013703.4 (MANE Select); coding-DNA position 48, G replaced by A.
Protein change: p.Pro16=; no amino-acid change (proline 16 retained).
Molecular consequence: synonymous variant.
Genome position (GRCh38, 1-based): chr15:39,934,243, G>A. VCF-style: chr15-39934243-G-A. GRCh37 (hg19) VCF-style: chr15-40226444-G-A.
Other names: c.48G>A (NM_001013703.3).
Identifiers: ClinVar variation 1559782 (VCV001559782.11), dbSNP rs369817117, ClinGen allele CA7473369.

ClinVar aggregate classification (germline): Likely benign. Review status: criteria provided, multiple submitters, no conflicts (2 of 4 stars). 3 submissions from 3 submitters: Likely benign (2). 1 of the submissions does not count toward it. Last evaluated 2023-11-06.

Conditions:
EIF2AK4-related disorder. Also called: EIF2AK4-related condition.

Allele frequency attached by ClinVar (database versions not stated): gnomAD exomes 0.00005 and 0.00019; ExAC 0.00008; gnomAD 0.00009; TOPMed 0.00012; ESP Exome Variant Server 0.00025.
gnomAD v4.1: 284 of 1,607,614 alleles (0.018%); highest among the groups gnomAD compares: Non-Finnish European, 0.023%; no homozygotes.

Submissions (3):

Blueprint Genetics
Classification: Likely benign. Last evaluated: 2023-11-06. Review status: criteria provided, single submitter. Criteria: ACMG Guidelines, 2015. Collection method: clinical testing. Allele origin: germline.

Labcorp Genetics (formerly Invitae), Labcorp
Classification: Likely benign. Last evaluated: 2021-06-24. Review status: criteria provided, single submitter. Criteria: Invitae Variant Classification Sherloc (09022015). Collection method: clinical testing. Allele origin: germline.

PreventionGenetics, part of Exact Sciences
Classification: Likely benign for EIF2AK4-related condition. Last evaluated: 2020-02-18. Review status: no assertion criteria provided. Collection method: clinical testing. Allele origin: germline. Not counted in ClinVar's aggregate classification.
Comment: This variant is classified as likely benign based on ACMG/AMP sequence variant interpretation guidelines (Richards et al. 2015 PMID: 25741868, with internal and published modifications).